The following is an entry in ClinVar:

NM_001370658.1(BTD):c.-18A>G

Gene: BTD (biotinidase; plus strand). Cytogenetic location: 3p25.1.
Variant type: single nucleotide variant.
Coding change: c.-18A>G on transcript NM_001370658.1 (MANE Select); 18 bases upstream of the start codon, A replaced by G.
Molecular consequence: 5 prime UTR variant. On other transcripts: missense variant (1), non-coding transcript variant (1), intron variant (4).
Genome position (GRCh38, 1-based): chr3:15,601,893, A>G. VCF-style: chr3-15601893-A-G. GRCh37 (hg19) VCF-style: chr3-15643400-A-G.
Other names: c.43A>G, p.Arg15Gly (NM_000060.4); c.-206A>G (NM_001281724.3); c.-18A>G (NM_001281726.3, NM_001370752.1, NM_001370753.1 and 3 more transcripts); c.-294A>G (NM_001323582.2, NM_001407384.1); c.-583A>G (NM_001407366.1); c.-569A>G (NM_001407369.1); c.-175A>G (NM_001407372.1); c.-137A>G (NM_001407373.1); and 7 more; short protein forms R15G.
Identifiers: ClinVar variation 2723714 (VCV002723714.3), dbSNP rs143058480, ClinGen allele CA2277186.
Genomic context (GRCh38, chr3:15,601,893, plus strand): 5'-CGGGGCTGTAAAGGGAGAATGGCGCATGCGCATATTCAGGGCGGAAGGCGCGCTAAGAGC[A>G]GGTACGGAGGGGGCGTGGTGCGGCGCGGAGGGGGTGTGGTAAGGGCGTGCGGTCCAGACC-3'

ClinVar aggregate classification (germline): Uncertain significance (1 of 4 stars; one submission).

Conditions:
Biotinidase deficiency. Also called: BTD deficiency; Late-onset biotin-responsive multiple carboxylase deficiency; Biotin deficiency. Identifiers: Orphanet 79241, MedGen C0220754, MONDO:0009665, OMIM 253260.

Allele frequency attached by ClinVar (database versions not stated): TOPMed 0.00001; ExAC 0.00002; gnomAD 0.00002; ESP Exome Variant Server 0.00008.
gnomAD v4.1: 7 of 1,613,772 alleles (0.00043%); highest among the groups gnomAD compares: African/African-American, 0.0013%; no homozygotes.

Submission:

Labcorp Genetics (formerly Invitae), Labcorp
Classification: Uncertain significance for Biotinidase deficiency. Last evaluated: 2023-12-11. Review status: criteria provided, single submitter. Criteria: Invitae Variant Classification Sherloc (09022015). Collection method: clinical testing. Allele origin: germline.
Comment: This sequence change replaces arginine, which is basic and polar, with glycine, which is neutral and non-polar, at codon 15 of the BTD protein (p.Arg15Gly). This variant is present in population databases (rs143058480, gnomAD 0.007%). This variant has not been reported in the literature in individuals affected with BTD-related conditions. An algorithm developed to predict the effect of missense changes on protein structure and function (PolyPhen-2) suggests that this variant is likely to be tolerated. Algorithms developed to predict the effect of sequence changes on RNA splicing suggest that this variant may disrupt the consensus splice site. In summary, the available evidence is currently insufficient to determine the role of this variant in disease. Therefore, it has been classified as a Variant of Uncertain Significance.